The following is an entry in ClinVar:

NM_021074.5(NDUFV2):c.472A>G (p.Ile158Val)

Genes: NDUFV2 (NADH:ubiquinone oxidoreductase core subunit V2; plus strand), NDUFV2-AS1 (NDUFV2 antisense RNA 1; minus strand). Cytogenetic location: 18p11.22.
Variant type: single nucleotide variant.
Coding change: c.472A>G on transcript NM_021074.5 (MANE Select); coding-DNA position 472, A replaced by G.
Protein change: p.Ile158Val; replaces isoleucine 158 with valine.
Molecular consequence: missense variant.
Genome position (GRCh38, 1-based): chr18:9,124,876, A>G. VCF-style: chr18-9124876-A-G. GRCh37 (hg19) VCF-style: chr18-9124874-A-G.
Other names: short protein forms I158V.
Identifiers: ClinVar variation 2049229 (VCV002049229.4), dbSNP rs2077974815, ClinGen allele CA401856395.

ClinVar aggregate classification (germline): Uncertain significance (1 of 4 stars; one submission).

Allele frequency attached by ClinVar (database versions not stated): TOPMed below 0.00001; gnomAD 0.00001; gnomAD exomes 0.00001.
gnomAD v4.1: 7 of 1,611,108 alleles (0.00043%); highest among the groups gnomAD compares: Non-Finnish European, 0.00059%; no homozygotes.

Submission:

Labcorp Genetics (formerly Invitae), Labcorp
Classification: Uncertain significance. Last evaluated: 2024-02-24. Review status: criteria provided, single submitter. Criteria: Invitae Variant Classification Sherloc (09022015). Collection method: clinical testing. Allele origin: germline.
Comment: This sequence change replaces isoleucine, which is neutral and non-polar, with valine, which is neutral and non-polar, at codon 158 of the NDUFV2 protein (p.Ile158Val). This variant is not present in population databases (gnomAD no frequency). This variant has not been reported in the literature in individuals affected with NDUFV2-related conditions. ClinVar contains an entry for this variant (Variation ID: 2049229). An algorithm developed to predict the effect of missense changes on protein structure and function (PolyPhen-2) suggests that this variant is likely to be tolerated. In summary, the available evidence is currently insufficient to determine the role of this variant in disease. Therefore, it has been classified as a Variant of Uncertain Significance.